The following is an entry in ClinVar:

ClinVar aggregate classification (germline): Uncertain significance (1 of 4 stars; one submission).

Conditions:
Rhabdoid tumor predisposition syndrome 1 (RTPS1). Also called: Familial Posterior Fossa Brain Tumor of Infancy. Identifiers: Orphanet 231108, Orphanet 69077, MedGen C1836327, MONDO:0012252, OMIM 609322.

Submission:

Labcorp Genetics (formerly Invitae), Labcorp
Classification: Uncertain significance for Rhabdoid tumor predisposition syndrome 1. Last evaluated: 2017-12-05. Review status: criteria provided, single submitter. Criteria: Invitae Variant Classification Sherloc (09022015). Collection method: clinical testing. Allele origin: germline.
Comment: A gross duplication of the genomic region encompassing nearly the full coding sequence of the SMARCB1 gene has been identified. The 5' breakpoint is located at the c.5 position in exon 1, which affects the second methionine among four consecutive initiator methionines. The 3' boundary of this event may extend beyond the assayed region for this gene and therefore may encompass additional genes. The duplicated copy of this region is in tandem. This gross duplication has not been reported in the literature in individuals with a SMARCB1-related disease. Experimental studies and prediction algorithms are not available for this variant, and the functional significance of the duplicated region is currently unknown. In summary, the available evidence is currently insufficient to determine the role of this variant in disease. Therefore, it has been classified as a Variant of Uncertain Significance.

NC_000022.10:g.(?_24133937)_(24176373_?)dup

Gene: SMARCB1 (SWI/SNF related BAF chromatin remodeling complex subunit B1; plus strand). Cytogenetic location: 22q11.23.
Variant type: Duplication.
Identifiers: ClinVar variation 464315 (VCV000464315.1).